The following is an entry in ClinVar:

ClinVar aggregate classification (germline): Uncertain significance (0 of 4 stars; one submission).

Conditions:
MC3R-related disorder. Also called: MC3R-related condition.

gnomAD v4.1: 23 of 1,614,104 alleles (0.0014%); highest among the groups gnomAD compares: Non-Finnish European, 0.0019%; no homozygotes.

Submission:

PreventionGenetics, part of Exact Sciences
Classification: Uncertain significance for MC3R-related condition. Last evaluated: 2024-09-12. Review status: no assertion criteria provided. Collection method: clinical testing. Allele origin: germline.
Comment: The MC3R c.461G>T variant is predicted to result in the amino acid substitution p.Ser154Ile. To our knowledge, this variant has not been reported in the literature or in a large population database, indicating this variant is rare. At this time, the clinical significance of this variant is uncertain due to the absence of conclusive functional and genetic evidence.

NM_019888.3(MC3R):c.461G>T (p.Ser154Ile)

Gene: MC3R (melanocortin 3 receptor; plus strand). Cytogenetic location: 20q13.2.
Variant type: single nucleotide variant.
Coding change: c.461G>T on transcript NM_019888.3 (MANE Select); coding-DNA position 461, G replaced by T.
Protein change: p.Ser154Ile; replaces serine 154 with isoleucine.
Molecular consequence: missense variant.
Genome position (GRCh38, 1-based): chr20:56,249,304, G>T. VCF-style: chr20-56249304-G-T. GRCh37 (hg19) VCF-style: chr20-54824360-G-T.
Other names: short protein forms S154I.
Identifiers: ClinVar variation 3344545 (VCV003344545.1).